The following is an entry in ClinVar:

NM_001365951.3(KIF1B):c.4215C>G (p.Cys1405Trp)

Gene: KIF1B (kinesin family member 1B; plus strand). Cytogenetic location: 1p36.22.
Variant type: single nucleotide variant.
Coding change: c.4215C>G on transcript NM_001365951.3 (MANE Select); coding-DNA position 4215, C replaced by G.
Protein change: p.Cys1405Trp; replaces cysteine 1405 with tryptophan.
Molecular consequence: missense variant.
Genome position (GRCh38, 1-based): chr1:10,361,736, C>G. VCF-style: chr1-10361736-C-G. GRCh37 (hg19) VCF-style: chr1-10421794-C-G.
Other names: c.4215C>G, p.Cys1405Trp (NM_001365952.1); c.4077C>G, p.Cys1359Trp (NM_015074.3); short protein forms C1359W, C1405W.
Identifiers: ClinVar variation 2497120 (VCV002497120.3), dbSNP rs2521885773, ClinGen allele CA338317316.
Genomic context (GRCh38, chr1:10,361,736, plus strand): 5'-CCCTGTCTGCTTTCAGCTGGATCATTGCATCCAGCCGGCTGTCATCACCAAGGATGTGTG[C>G]ATGGTCTTCTACTCCCGAGATGCCAAGATCTCACCACCACGCTCTCTGCGTAGCCTCTTT-3'
Protein context (NP_001352880.1, residues 1395-1415): IQPAVITKDV[Cys1405Trp]MVFYSRDAKI

ClinVar aggregate classification (germline): Uncertain significance (1 of 4 stars; one submission).

Submission:

Ambry Genetics
Classification: Uncertain significance. Last evaluated: 2025-01-03. Review status: criteria provided, single submitter. Criteria: Ambry Variant Classification Scheme 2023. Collection method: clinical testing. Allele origin: germline.
Comment: The p.C1359W variant (also known as c.4077C>G), located in coding exon 37 of the KIF1B gene, results from a C to G substitution at nucleotide position 4077. The cysteine at codon 1359 is replaced by tryptophan, an amino acid with highly dissimilar properties. This amino acid position is highly conserved in available vertebrate species. In addition, this alteration is predicted to be deleterious by in silico analysis. The evidence for this gene-disease relationship is limited; therefore, the clinical significance of this alteration is unclear.